The following is an entry in ClinVar:

ClinVar aggregate classification (germline): Uncertain significance (1 of 4 stars; one submission).

Allele frequency attached by ClinVar (database versions not stated): TOPMed below 0.00001; ExAC 0.00001; gnomAD exomes 0.00001.
gnomAD v4.1: 11 of 1,609,274 alleles (0.00068%); highest among the groups gnomAD compares: South Asian, 0.0011%; no homozygotes.

Submission:

Labcorp Genetics (formerly Invitae), Labcorp
Classification: Uncertain significance. Last evaluated: 2024-03-20. Review status: criteria provided, single submitter. Criteria: Invitae Variant Classification Sherloc (09022015). Collection method: clinical testing. Allele origin: germline.
Comment: This sequence change replaces serine, which is neutral and polar, with glycine, which is neutral and non-polar, at codon 693 of the FOCAD protein (p.Ser693Gly). The frequency data for this variant in the population databases is considered unreliable, as metrics indicate poor data quality at this position in the gnomAD database. This variant has not been reported in the literature in individuals affected with FOCAD-related conditions. Experimental studies and prediction algorithms are not available or were not evaluated, and the functional significance of this variant is currently unknown. In summary, the available evidence is currently insufficient to determine the role of this variant in disease. Therefore, it has been classified as a Variant of Uncertain Significance.

NM_001375567.1(FOCAD):c.2077A>G (p.Ser693Gly)

Gene: FOCAD (focadhesin; plus strand). Cytogenetic location: 9p21.3.
Variant type: single nucleotide variant.
Coding change: c.2077A>G on transcript NM_001375567.1 (MANE Select); coding-DNA position 2077, A replaced by G.
Protein change: p.Ser693Gly; replaces serine 693 with glycine.
Molecular consequence: missense variant.
Genome position (GRCh38, 1-based): chr9:20,865,947, A>G. VCF-style: chr9-20865947-A-G. GRCh37 (hg19) VCF-style: chr9-20865946-A-G.
Other names: c.1972A>G, p.Ser658Gly (NM_001375568.1, NM_001375570.1); c.2077A>G, p.Ser693Gly (NM_017794.5); short protein forms S658G, S693G.
Identifiers: ClinVar variation 2890221 (VCV002890221.3), dbSNP rs750745266, ClinGen allele CA5006959.